The following is an entry in ClinVar:

NM_001267727.2(ARSG):c.1307G>A (p.Gly436Glu)

Genes: ARSG (arylsulfatase G; plus strand), PRKAR1A (protein kinase cAMP-dependent type I regulatory subunit alpha; plus strand). Cytogenetic location: 17q24.2.
Variant type: single nucleotide variant.
Coding change: c.1307G>A on transcript NM_001267727.2 (MANE Select); coding-DNA position 1307, G replaced by A.
Protein change: p.Gly436Glu; replaces glycine 436 with glutamic acid.
Molecular consequence: missense variant. On other transcripts: intron variant (3).
Genome position (GRCh38, 1-based): chr17:68,420,192, G>A. VCF-style: chr17-68420192-G-A. GRCh37 (hg19) VCF-style: chr17-66416333-G-A.
Other names: c.1307G>A, p.Gly436Glu (NM_001352899.2, NM_001352900.2, NM_001352901.2 and 2 more transcripts); c.1304G>A, p.Gly435Glu (NM_001352903.2, NM_001352904.2, NM_001352905.2 and 2 more transcripts); c.1303+18742G>A (NM_001352910.2); c.1255+18742G>A (NM_001352909.2); c.-7+6397G>A (NM_001278433.2); short protein forms G435E, G436E.
Identifiers: ClinVar variation 1413472 (VCV001413472.6), dbSNP rs746784057, ClinGen allele CA8728558.

ClinVar aggregate classification (germline): Uncertain significance (1 of 4 stars; one submission).

Allele frequency attached by ClinVar (database versions not stated): TOPMed below 0.00001; ExAC 0.00001; gnomAD exomes 0.00001.
gnomAD v4.1: 9 of 1,613,882 alleles (0.00056%); highest among the groups gnomAD compares: African/African-American, 0.0013%; no homozygotes.

Submission:

Labcorp Genetics (formerly Invitae), Labcorp
Classification: Uncertain significance. Last evaluated: 2024-06-17. Review status: criteria provided, single submitter. Criteria: Invitae Variant Classification Sherloc (09022015). Collection method: clinical testing. Allele origin: germline.
Comment: This sequence change replaces glycine, which is neutral and non-polar, with glutamic acid, which is acidic and polar, at codon 436 of the ARSG protein (p.Gly436Glu). This variant is present in population databases (rs746784057, gnomAD 0.002%). This variant has not been reported in the literature in individuals affected with ARSG-related conditions. ClinVar contains an entry for this variant (Variation ID: 1413472). An algorithm developed to predict the effect of missense changes on protein structure and function (PolyPhen-2) suggests that this variant is likely to be disruptive. In summary, the available evidence is currently insufficient to determine the role of this variant in disease. Therefore, it has been classified as a Variant of Uncertain Significance.